The following is an entry in ClinVar:

NM_032043.3(BRIP1):c.2579T>C (p.Leu860Pro)

Gene: BRIP1 (BRCA1 interacting DNA helicase 1; minus strand). Cytogenetic location: 17q23.2.
Variant type: single nucleotide variant.
Coding change: c.2579T>C on transcript NM_032043.3 (MANE Select); coding-DNA position 2579, T replaced by C.
Protein change: p.Leu860Pro; replaces leucine 860 with proline.
Molecular consequence: missense variant.
Genome position (GRCh38, 1-based): chr17:61,686,162, A>G on the plus strand (T>C on the coding strand, the complement: BRIP1 is on the minus strand). VCF-style: chr17-61686162-A-G. GRCh37 (hg19) VCF-style: chr17-59763523-A-G.
Other names: p.L860P:CTT>CCT; short protein forms L860P.
Identifiers: ClinVar variation 128177 (VCV000128177.33), dbSNP rs587780242, ClinGen allele CA288561.
Genomic context (GRCh38, chr17:61,686,162, plus strand): 5'-GATTCCAGTGCACTTTCAAAGGTTGAATGGTGCTGAATCTGCTGCCGTACCCATTTAGAA[A>G]GTCCTAAAGAAAAAGGTAAACCCAGGGAAAATTTGGTTACTTAGTTATTAAAATATTACA-3'
Protein context (NP_114432.2, residues 850-870): RNNPSRYISG[Leu860Pro]SKWVRQQIQH

ClinVar aggregate classification (germline): Uncertain significance. Review status: criteria provided, multiple submitters, no conflicts (2 of 4 stars). 9 submissions from 9 submitters: Uncertain significance (7). 2 of the submissions do not count toward it. Last evaluated 2025-12-03.

Conditions:
Fanconi anemia complementation group J. Also called: BRIP1-Related Fanconi Anemia. Identifiers: Orphanet 84, MedGen C1836860, MONDO:0012187, OMIM 609054.
Ovarian cancer. Also called: OVARIAN CANCER, SOMATIC. Identifiers: Orphanet 213500, MedGen C1140680, MONDO:0008170, OMIM 167000.
Familial cancer of breast. Also called: BREAST CANCER, FAMILIAL; Hereditary breast cancer; hereditary breast carcinoma. Identifiers: Orphanet 227535, MedGen C0346153, MONDO:0016419, OMIM 114480. Disease mechanism: loss of function.
Hereditary cancer-predisposing syndrome. Also called: Tumor predisposition; Hereditary Cancer Syndrome; Neoplastic Syndromes, Hereditary; Hereditary neoplastic syndrome. Identifiers: Orphanet 140162, MedGen C0027672, MeSH D009386, MONDO:0015356.
Malignant tumor of breast. Also called: Malignant breast neoplasm; Cancer breast. Identifiers: MedGen C0006142, MONDO:0007254. Disease mechanism: loss of function.

Allele frequency attached by ClinVar (database versions not stated): gnomAD exomes below 0.00001; gnomAD 0.00001; TOPMed 0.00002.
gnomAD v4.1: 6 of 1,613,960 alleles (0.00037%); highest among the groups gnomAD compares: Non-Finnish European, 0.00051%; no homozygotes.

Submissions (9):

Labcorp Genetics (formerly Invitae), Labcorp
Classification: Uncertain significance for Familial cancer of breast; Fanconi anemia complementation group J. Last evaluated: 2025-12-03. Review status: criteria provided, single submitter. Criteria: Invitae Variant Classification Sherloc (09022015). Collection method: clinical testing. Allele origin: germline.
Comment: This sequence change replaces leucine, which is neutral and non-polar, with proline, which is neutral and non-polar, at codon 860 of the BRIP1 protein (p.Leu860Pro). This variant is not present in population databases (gnomAD no frequency). This variant has not been reported in the literature in individuals affected with BRIP1-related conditions. ClinVar contains an entry for this variant (Variation ID: 128177). Invitae Evidence Modeling of protein sequence and biophysical properties (such as structural, functional, and spatial information, amino acid conservation, physicochemical variation, residue mobility, and thermodynamic stability) indicates that this missense variant is expected to disrupt BRIP1 protein function with a positive predictive value of 95%. Experimental studies have shown that this missense change affects BRIP1 function (PMID: 33619228). In summary, the available evidence is currently insufficient to determine the role of this variant in disease. Therefore, it has been classified as a Variant of Uncertain Significance.

Women's Health and Genetics/Laboratory Corporation of America, LabCorp
Classification: Uncertain significance. Last evaluated: 2025-09-22. Review status: criteria provided, single submitter. Criteria: LabCorp Variant Classification Summary - May 2015. Collection method: clinical testing. Allele origin: germline.
Comment: Variant summary: BRIP1 c.2579T>C (p.Leu860Pro) results in a non-conservative amino acid change in the encoded protein sequence. Algorithms developed to predict the effect of missense changes on protein structure and function all suggest that this variant is likely to be disruptive. The variant was absent in 249856 control chromosomes. c.2579T>C has been observed in individual(s) affected with ovarian cancer (Turchiano_2022). These report(s) do not provide unequivocal conclusions about association of the variant with Fanconi anemia complementation group J. At least one publication reports experimental evidence evaluating an impact on protein function. The most pronounced variant effect results in a severe sensitivity to mitomycin C in vitro (Calvo_2021). The following publications have been ascertained in the context of this evaluation (PMID: 30309722, 33619228, 35053526). ClinVar contains an entry for this variant (Variation ID: 128177). Based on the evidence outlined above, the variant was classified as VUS-possibly pathogenic.

Ambry Genetics
Classification: Uncertain significance for Hereditary cancer-predisposing syndrome. Last evaluated: 2025-06-18. Review status: criteria provided, single submitter. Criteria: Ambry Variant Classification Scheme 2023. Collection method: clinical testing. Allele origin: germline.
Comment: The p.L860P variant (also known as c.2579T>C), located in coding exon 18 of the BRIP1 gene, results from a T to C substitution at nucleotide position 2579. The leucine at codon 860 is replaced by proline, an amino acid with similar properties. This amino acid position is highly conserved in available vertebrate species. In addition, this alteration is predicted to be deleterious by in silico analysis. Based on the available evidence, the clinical significance of this variant remains unclear.

Color Diagnostics, LLC DBA Color Health
Classification: Uncertain significance for Hereditary cancer-predisposing syndrome. Last evaluated: 2025-06-09. Review status: criteria provided, single submitter. Criteria: ACMG Guidelines, 2015. Collection method: clinical testing. Allele origin: germline.
Comment: This missense variant replaces leucine with proline at codon 860 of the BRIP1 protein. Computational prediction suggests that this variant may have deleterious impact on protein structure and function. In vitro studies have shown that this variant disrupts function (PMID: 33619228). This variant has not been reported in individuals affected with BRIP1-related disorders in the literature. This variant has not been identified in the general population by the Genome Aggregation Database (gnomAD). The available evidence is insufficient to determine the role of this variant in disease conclusively. Therefore, this variant is classified as a Variant of Uncertain Significance.

GeneDx
Classification: Uncertain significance. Last evaluated: 2024-12-02. Review status: criteria provided, single submitter. Criteria: GeneDx Variant Classification Process June 2021. Collection method: clinical testing. Allele origin: germline. Affected: yes.
Comment: Not observed at significant frequency in large population cohorts (gnomAD); In silico analysis supports that this missense variant has a deleterious effect on protein structure/function; Published functional studies suggest this variant may result in loss of function based on an assay measuring resistance to DNA damaging agents (PMID: 33619228); This variant is associated with the following publications: (PMID: 30309722, 33619228)

Myriad Genetics, Inc.
Classification: Uncertain significance for Familial cancer of breast. Last evaluated: 2023-03-02. Review status: criteria provided, single submitter. Criteria: Myriad Autosomal Dominant, Autosomal Recessive and X-Linked Classification Criteria (2023). Collection method: clinical testing. Allele origin: unknown.
Comment: This variant is classified as a variant of uncertain significance as there is insufficient evidence to determine its impact on protein function and/or cancer risk.

AiLife Diagnostics
Classification: Uncertain significance. Last evaluated: 2021-07-20. Review status: criteria provided, single submitter. Criteria: ACMG Guidelines, 2015. Collection method: clinical testing. Allele origin: germline. Affected: yes. Observed: 1 variant allele.

Counsyl
Classification: Uncertain significance for Fanconi anemia complementation group J; Ovarian cancer. Last evaluated: 2017-05-16. Review status: no assertion criteria provided. Collection method: clinical testing. Allele origin: unknown. Not counted in ClinVar's aggregate classification.

Department of Pathology and Laboratory Medicine, Sinai Health System
Classification: Uncertain significance for Malignant tumor of breast. Review status: no assertion criteria provided. Collection method: clinical testing. Allele origin: unknown. Affected: yes. Observed: 1 variant allele. Study: The Canadian Open Genetics Repository (COGR). Not counted in ClinVar's aggregate classification.
Comment: The BRIP1 p.Leu860Pro variant was not identified in the literature nor was it identified in the Cosmic, MutDB, Zhejiang Colon Cancer Database, the 1000 Genomes Project, the NHLBI GO Exome Sequencing Project, the Exome Aggregation Consortium (August 8th 2016), or the Genome Aggregation Database (Feb 27, 2017). The variant was identified in dbSNP (ID: rs587780242) â€šÃ„ÃºWith Uncertain significance alleleâ€šÃ„Ã¹, ClinVar (classified as uncertain significance by GeneDx, Ambry Genetics and Invitae) and Clinvitae (3x). The p.Leu860 residue is conserved in mammals but not in more distantly related organisms, and four out of five computational analyses (PolyPhen-2, SIFT, AlignGVGD, BLOSUM, MutationTaster) suggest that the Pro variant may impact the protein; however, this information is not predictive enough to assume pathogenicity. The variant occurs outside of the splicing consensus sequence and in silico or computational prediction software programs (SpliceSiteFinder, MaxEntScan, NNSPLICE, GeneSplicer, HumanSpliceFinder) do not predict a difference in splicing. In summary, based on the above information the clinical significance of this variant cannot be determined with certainty at this time. This variant is classified as a variant of uncertain significance.

Literature cited by the submitters: PubMed 33619228 (cited by 3 submitters); PubMed 35053526 (cited by Women's Health and Genetics/Laboratory Corporation of America, LabCorp); PubMed 30309722 (cited by Women's Health and Genetics/Laboratory Corporation of America, LabCorp and AiLife Diagnostics).